The following is an entry in ClinVar:

NM_017654.4(SAMD9):c.2281G>C (p.Ala761Pro)

Gene: SAMD9 (sterile alpha motif domain containing 9; minus strand). Cytogenetic location: 7q21.2.
Variant type: single nucleotide variant.
Coding change: c.2281G>C on transcript NM_017654.4 (MANE Select); coding-DNA position 2281, G replaced by C.
Protein change: p.Ala761Pro; replaces alanine 761 with proline.
Molecular consequence: missense variant.
Genome position (GRCh38, 1-based): chr7:93,103,817, C>G on the plus strand (G>C on the coding strand, the complement: SAMD9 is on the minus strand). VCF-style: chr7-93103817-C-G. GRCh37 (hg19) VCF-style: chr7-92733130-C-G.
Other names: c.2281G>C, p.Ala761Pro (NM_001193307.2); short protein forms A761P.
Identifiers: ClinVar variation 4824703 (VCV004824703.1).

ClinVar aggregate classification (germline): Uncertain significance (1 of 4 stars; one submission).

Conditions:
Inborn genetic diseases. Identifiers: MedGen C0950123, MeSH D030342.

Submission:

Ambry Genetics
Classification: Uncertain significance for Inborn genetic diseases. Last evaluated: 2026-02-16. Review status: criteria provided, single submitter. Criteria: Ambry Variant Classification Scheme 2023. Collection method: clinical testing. Allele origin: germline.
Comment: The p.A761P variant (also known as c.2281G>C), located in coding exon 1 of the SAMD9 gene, results from a G to C substitution at nucleotide position 2281. The alanine at codon 761 is replaced by proline, an amino acid with highly similar properties. This amino acid position is conserved. In addition, the in silico prediction for this alteration is inconclusive. Based on the available evidence, the clinical significance of this variant remains unclear.